The following is an entry in ClinVar:

ClinVar aggregate classification (germline): Uncertain significance (1 of 4 stars; one submission).

gnomAD v4.1: 3 of 1,613,978 alleles (0.00019%); highest among the groups gnomAD compares: South Asian, 0.0011%; no homozygotes.

Submission:

Labcorp Genetics (formerly Invitae), Labcorp
Classification: Uncertain significance. Last evaluated: 2022-02-05. Review status: criteria provided, single submitter. Criteria: Invitae Variant Classification Sherloc (09022015). Collection method: clinical testing. Allele origin: germline.
Comment: This sequence change replaces valine, which is neutral and non-polar, with phenylalanine, which is neutral and non-polar, at codon 247 of the MS4A1 protein (p.Val247Phe). This variant is not present in population databases (gnomAD no frequency). This variant has not been reported in the literature in individuals affected with MS4A1-related conditions. Algorithms developed to predict the effect of missense changes on protein structure and function are either unavailable or do not agree on the potential impact of this missense change (SIFT: "Deleterious"; PolyPhen-2: "Possibly Damaging"; Align-GVGD: "Class C0"). In summary, the available evidence is currently insufficient to determine the role of this variant in disease. Therefore, it has been classified as a Variant of Uncertain Significance.

NM_152866.3(MS4A1):c.739G>T (p.Val247Phe)

Gene: MS4A1 (membrane spanning 4-domains A1; plus strand). Cytogenetic location: 11q12.2.
Variant type: single nucleotide variant.
Coding change: c.739G>T on transcript NM_152866.3 (MANE Select); coding-DNA position 739, G replaced by T.
Protein change: p.Val247Phe; replaces valine 247 with phenylalanine.
Molecular consequence: missense variant.
Genome position (GRCh38, 1-based): chr11:60,468,313, G>T. VCF-style: chr11-60468313-G-T. GRCh37 (hg19) VCF-style: chr11-60235786-G-T.
Other names: c.739G>T, p.Val247Phe (NM_021950.4, NM_152867.2); short protein forms V247F.
Identifiers: ClinVar variation 1442489 (VCV001442489.8), dbSNP rs747237808, ClinGen allele CA380600812.